The following is an entry in ClinVar:

NM_001369.3(DNAH5):c.2479C>T (p.Arg827Cys)

Genes: DNAH5 (dynein axonemal heavy chain 5; minus strand), DNAH5-AS1 (DNAH5 antisense RNA 1; plus strand). Cytogenetic location: 5p15.2.
Variant type: single nucleotide variant.
Coding change: c.2479C>T on transcript NM_001369.3 (MANE Select); coding-DNA position 2479, C replaced by T.
Protein change: p.Arg827Cys; replaces arginine 827 with cysteine.
Molecular consequence: missense variant.
Genome position (GRCh38, 1-based): chr5:13,891,074, G>A on the plus strand (C>T on the coding strand, the complement: DNAH5 is on the minus strand). VCF-style: chr5-13891074-G-A. GRCh37 (hg19) VCF-style: chr5-13891183-G-A.
Other names: c.2479C>T (NM_001369.2); short protein forms R827C.
Identifiers: ClinVar variation 2040311 (VCV002040311.2), dbSNP rs760986984, ClinGen allele CA3204574.

ClinVar aggregate classification (germline): Uncertain significance. Review status: criteria provided, multiple submitters, no conflicts (2 of 4 stars). 2 submissions from 2 submitters: Uncertain significance (2). Last evaluated 2024-05-16.

Conditions:
Primary ciliary dyskinesia. Also called: Ciliary dyskinesia. Identifiers: Orphanet 244, MedGen C0008780, MONDO:0016575, HP:0012265.

Allele frequency attached by ClinVar (database versions not stated): gnomAD 0.00001; ExAC 0.00002; TOPMed 0.00003.
gnomAD v4.1: 18 of 1,613,948 alleles (0.0011%); highest among the groups gnomAD compares: Admixed American, 0.015%; no homozygotes.

Submissions (2):

Ambry Genetics
Classification: Uncertain significance for Primary ciliary dyskinesia. Last evaluated: 2024-05-16. Review status: criteria provided, single submitter. Criteria: Ambry Variant Classification Scheme 2023. Collection method: clinical testing. Allele origin: germline.

Labcorp Genetics (formerly Invitae), Labcorp
Classification: Uncertain significance for Primary ciliary dyskinesia. Last evaluated: 2022-07-05. Review status: criteria provided, single submitter. Criteria: Invitae Variant Classification Sherloc (09022015). Collection method: clinical testing. Allele origin: germline.
Comment: This sequence change replaces arginine, which is basic and polar, with cysteine, which is neutral and slightly polar, at codon 827 of the DNAH5 protein (p.Arg827Cys). This variant is present in population databases (rs760986984, gnomAD 0.02%). This variant has not been reported in the literature in individuals affected with DNAH5-related conditions. Algorithms developed to predict the effect of missense changes on protein structure and function are either unavailable or do not agree on the potential impact of this missense change (SIFT: "Deleterious"; PolyPhen-2: "Possibly Damaging"; Align-GVGD: "Class C0"). In summary, the available evidence is currently insufficient to determine the role of this variant in disease. Therefore, it has been classified as a Variant of Uncertain Significance.